The following is an entry in ClinVar:

NM_000135.4(FANCA):c.3425G>A (p.Cys1142Tyr)

Gene: FANCA (FA complementation group A; minus strand). Cytogenetic location: 16q24.3.
Variant type: single nucleotide variant.
Coding change: c.3425G>A on transcript NM_000135.4 (MANE Select); coding-DNA position 3425, G replaced by A.
Protein change: p.Cys1142Tyr; replaces cysteine 1142 with tyrosine.
Molecular consequence: missense variant.
Genome position (GRCh38, 1-based): chr16:89,746,672, C>T on the plus strand (G>A on the coding strand, the complement: FANCA is on the minus strand). VCF-style: chr16-89746672-C-T. GRCh37 (hg19) VCF-style: chr16-89813080-C-T.
Other names: c.3425G>A, p.Cys1142Tyr (NM_001286167.3); short protein forms C1142Y.
Identifiers: ClinVar variation 2061966 (VCV002061966.5), dbSNP rs2544119710, ClinGen allele CA397485995.
Genomic context (GRCh38, chr16:89,746,672, plus strand): 5'-TTCGTCTGGCACTTGGCCAGTATGAAGTCGACCATCAGGGAGGGGTCTCTGCTCCGCAGA[C>T]AGGCGTTCAGGAGGCCCTGCAGGAGAGAACGCAGCAGGAGGTCAGCGGTTTGTGAGGACC-3'
Protein context (NP_000126.2, residues 1132-1152): AHFFRGLLNA[Cys1142Tyr]LRSRDPSLMV

ClinVar aggregate classification (germline): Conflicting classifications of pathogenicity. Review status: criteria provided, conflicting classifications (1 of 4 stars). 3 submissions from 3 submitters: Likely pathogenic (1); Uncertain significance (2). Last evaluated 2024-08-13.

Conditions:
FANCA-related disorders.
Fanconi anemia (FA). Also called: Fanconi's anemia. Identifiers: Orphanet 84, MedGen C0015625, MeSH D005199, MONDO:0019391.

gnomAD v4.1: 3 of 1,614,110 alleles (0.00019%); highest among the groups gnomAD compares: Non-Finnish European, 0.00025%; no homozygotes.

Submissions (3):

Women's Health and Genetics/Laboratory Corporation of America, LabCorp
Classification: Uncertain significance. Last evaluated: 2024-08-13. Review status: criteria provided, single submitter. Criteria: LabCorp Variant Classification Summary - May 2015. Collection method: clinical testing. Allele origin: germline.
Comment: Variant summary: FANCA c.3425G>A (p.Cys1142Tyr) results in a non-conservative amino acid change in the encoded protein sequence. Four of five in-silico tools predict a damaging effect of the variant on protein function. The variant was absent in 251304 control chromosomes. The available data on variant occurrences in the general population are insufficient to allow any conclusion about variant significance. c.3425G>A has been reported in the literature in individuals affected with Pancytopenia (Arts_2019). These data do not allow any conclusion about variant significance. To our knowledge, no experimental evidence demonstrating an impact on protein function has been reported. The following publication have been ascertained in the context of this evaluation (PMID: 31203817). ClinVar contains an entry for this variant (Variation ID: 2061966). Based on the evidence outlined above, the variant was classified as uncertain significance.

Labcorp Genetics (formerly Invitae), Labcorp
Classification: Uncertain significance for Fanconi anemia. Last evaluated: 2024-08-12. Review status: criteria provided, single submitter. Criteria: Invitae Variant Classification Sherloc (09022015). Collection method: clinical testing. Allele origin: germline.
Comment: This sequence change replaces cysteine, which is neutral and slightly polar, with tyrosine, which is neutral and polar, at codon 1142 of the FANCA protein (p.Cys1142Tyr). This variant is not present in population databases (gnomAD no frequency). This variant has not been reported in the literature in individuals affected with FANCA-related conditions. ClinVar contains an entry for this variant (Variation ID: 2061966). Advanced modeling of protein sequence and biophysical properties (such as structural, functional, and spatial information, amino acid conservation, physicochemical variation, residue mobility, and thermodynamic stability) performed at Invitae indicates that this missense variant is expected to disrupt FANCA protein function with a positive predictive value of 80%. In summary, the available evidence is currently insufficient to determine the role of this variant in disease. Therefore, it has been classified as a Variant of Uncertain Significance.

Blueprint Genetics
Classification: Likely pathogenic for FANCA-related disorders. Last evaluated: 2020-11-20. Review status: criteria provided, single submitter. Criteria: ACMG Guidelines, 2015. Collection method: clinical testing. Allele origin: germline. Affected: yes. Observed: 5 variant alleles.

Literature cited by the submitters: PubMed 31203817 (cited by Women's Health and Genetics/Laboratory Corporation of America, LabCorp).